The following is an entry in ClinVar:

ClinVar aggregate classification (germline): Likely benign. Review status: criteria provided, multiple submitters, no conflicts (2 of 4 stars). 2 submissions from 2 submitters: Likely benign (2). Last evaluated 2026-02-01.

Submissions (2):

CeGaT Center for Human Genetics Tuebingen
Classification: Likely benign. Last evaluated: 2026-02-01. Review status: criteria provided, single submitter. Criteria: CeGaT Center For Human Genetics Tuebingen Variant Classification Criteria Version 2. Collection method: clinical testing. Allele origin: germline. Affected: yes. Observed: 1 variant allele.
Comment: ZNF711: PM2:Supporting, BP4, BP7

Labcorp Genetics (formerly Invitae), Labcorp
Classification: Likely benign. Last evaluated: 2025-12-17. Review status: criteria provided, single submitter. Criteria: Invitae Variant Classification Sherloc (09022015). Collection method: clinical testing. Allele origin: germline.

NM_001330574.2(ZNF711):c.1401T>C (p.Phe467=)

Gene: ZNF711 (ZFX family zinc finger ZNF711; plus strand). Cytogenetic location: Xq21.1.
Variant type: single nucleotide variant.
Coding change: c.1401T>C on transcript NM_001330574.2 (MANE Select); coding-DNA position 1401, T replaced by C.
Protein change: p.Phe467=; no amino-acid change (phenylalanine 467 retained).
Molecular consequence: synonymous variant.
Genome position (GRCh38, 1-based): chrX:85,270,805, T>C. VCF-style: chrX-85270805-T-C. GRCh37 (hg19) VCF-style: chrX-84525811-T-C.
Other names: c.1401T>C, p.Phe467= (NM_001375431.1, NM_001375432.1, NM_001375433.1); c.1263T>C, p.Phe421= (NM_001375434.1, NM_001375435.1, NM_001375436.1 and 2 more transcripts).
Identifiers: ClinVar variation 4733516 (VCV004733516.5).
Genomic context (GRCh38, chrX:85,270,805, plus strand): 5'-CATGAAGAATCATCCTGATCATTTAATGAGAAAAAAATATCAGTGTACAGATTGTGACTT[T>C]ACAACTAACAAGAAAGTGAGTTTCCATAACCACTTAGAAAGCCATAAGCTCATAAACAAA-3'
Protein context (NP_001317503.1, residues 457-477): RKKYQCTDCD[Phe467=]TTNKKVSFHN